The following is an entry in ClinVar:

NM_020921.4(NIN):c.5098C>T (p.Gln1700Ter)

Genes: NIN (ninein; minus strand), LOC126861936 (BRD4-independent group 4 enhancer GRCh37_chr14:51210620-51211819; plus strand). Cytogenetic location: 14q22.1.
Variant type: single nucleotide variant.
Coding change: c.5098C>T on transcript NM_020921.4 (MANE Select); coding-DNA position 5098, C replaced by T.
Protein change: p.Gln1700Ter; replaces glutamine 1700 with a stop codon.
Molecular consequence: nonsense.
Genome position (GRCh38, 1-based): chr14:50,744,332, G>A on the plus strand (C>T on the coding strand, the complement: NIN is on the minus strand). VCF-style: chr14-50744332-G-A. GRCh37 (hg19) VCF-style: chr14-51211050-G-A.
Other names: c.2959C>T, p.Gln987Ter (NM_016350.5); c.5098C>T, p.Gln1700Ter (NM_182944.3, NM_182946.2); short protein forms Q1700*, Q987*.
Identifiers: ClinVar variation 4696142 (VCV004696142.1).
Genomic context (GRCh38, chr14:50,744,332, plus strand): 5'-TCAGAGCTTCCTTTTCTTTCAGCAGTTTTTCGTTGTAGCTTAGAACACTAGAGATTTTTT[G>A]CTGGAAGTCAGAGAGATCGGGACATCTGTGCAGCTGTAAGAGATAAACAAATGAGCCCTC-3'

ClinVar aggregate classification (germline): Uncertain significance (1 of 4 stars; one submission).

gnomAD v4.1: 1 of 1,613,822 alleles (0.000062%); highest among the groups gnomAD compares: African/African-American, 0.0013%; no homozygotes.

Submission:

Labcorp Genetics (formerly Invitae), Labcorp
Classification: Uncertain significance. Last evaluated: 2025-06-27. Review status: criteria provided, single submitter. Criteria: Invitae Variant Classification Sherloc (09022015). Collection method: clinical testing. Allele origin: germline.
Comment: This sequence change creates a premature translational stop signal (p.Gln1700*) in the NIN gene. It is expected to result in an absent or disrupted protein product. However, the current clinical and genetic evidence is not sufficient to establish whether loss-of-function variants in NIN cause disease. This variant is not present in population databases (gnomAD no frequency). This variant has not been reported in the literature in individuals affected with NIN-related conditions. Algorithms developed to predict the effect of sequence changes on RNA splicing suggest that this variant may disrupt the consensus splice site. In summary, the available evidence is currently insufficient to determine the role of this variant in disease. Therefore, it has been classified as a Variant of Uncertain Significance.